The following is an entry in ClinVar:

ClinVar aggregate classification (germline): Conflicting classifications of pathogenicity. Review status: criteria provided, conflicting classifications (1 of 4 stars). 3 submissions from 3 submitters: Uncertain significance (2); Likely benign (1). Last evaluated 2024-09-20.

Conditions:
Microcephaly 4, primary, autosomal recessive. Identifiers: Orphanet 2512, MedGen C1858516, MONDO:0011437, OMIM 604321.

Allele frequency attached by ClinVar (database versions not stated): gnomAD 0.00014 and 0.00019; 1000 Genomes Project 30x 0.00016; TOPMed 0.00019; 1000 Genomes Project 0.00020; gnomAD exomes 0.00025 and 0.00031; ESP Exome Variant Server 0.00033; ExAC 0.00038.
gnomAD v4.1: 399 of 1,607,676 alleles (0.025%); highest among the groups gnomAD compares: South Asian, 0.15%; no homozygotes.

Submissions (3):

3billion
Classification: Likely benign for Microcephaly 4, primary, autosomal recessive. Last evaluated: 2024-09-20. Review status: criteria provided, single submitter. Criteria: ACMG Guidelines, 2015. Collection method: clinical testing. Allele origin: germline. Affected: no.
Comment: The homozygous variant was found in patients diagnosed with another variant in a different gene, with no symptoms related to the gene containing the homozygous variant.

Baylor Genetics
Classification: Uncertain significance for Microcephaly 4, primary, autosomal recessive. Last evaluated: 2018-11-14. Review status: criteria provided, single submitter. Criteria: ACMG Guidelines, 2015. Collection method: clinical testing. Allele origin: paternal. Affected: yes.
Comment: This variant was determined to be of uncertain significance according to ACMG Guidelines, 2015 [PMID:25741868].

Genetic Services Laboratory, University of Chicago
Classification: Uncertain significance. Last evaluated: 2015-04-14. Review status: criteria provided, single submitter. Criteria: ACMG Guidelines, 2015. Collection method: clinical testing. Allele origin: germline.

NM_144508.5(KNL1):c.5974G>T (p.Ala1992Ser)

Gene: KNL1 (kinetochore scaffold 1; plus strand). Cytogenetic location: 15q15.1.
Variant type: single nucleotide variant.
Coding change: c.5974G>T on transcript NM_144508.5 (MANE Select); coding-DNA position 5974, G replaced by T.
Protein change: p.Ala1992Ser; replaces alanine 1992 with serine.
Molecular consequence: missense variant.
Genome position (GRCh38, 1-based): chr15:40,645,740, G>T. VCF-style: chr15-40645740-G-T. GRCh37 (hg19) VCF-style: chr15-40937938-G-T.
Other names: c.6052G>T, p.Ala2018Ser (NM_170589.5); short protein forms A2018S, A1992S.
Identifiers: ClinVar variation 210573 (VCV000210573.8), dbSNP rs200052077, ClinGen allele CA207535.